The following is an entry in ClinVar:

NM_003274.5(TRAPPC10):c.1539C>T (p.Gly513=)

Gene: TRAPPC10 (trafficking protein particle complex subunit 10; plus strand). Cytogenetic location: 21q22.3.
Variant type: single nucleotide variant.
Coding change: c.1539C>T on transcript NM_003274.5 (MANE Select); coding-DNA position 1539, C replaced by T.
Protein change: p.Gly513=; no amino-acid change (glycine 513 retained).
Molecular consequence: synonymous variant.
Genome position (GRCh38, 1-based): chr21:44,079,633, C>T. VCF-style: chr21-44079633-C-T. GRCh37 (hg19) VCF-style: chr21-45499514-C-T.
Other names: c.138C>T, p.Gly46= (NM_001351709.1).
Identifiers: ClinVar variation 777625 (VCV000777625.8), dbSNP rs148086257, ClinGen allele CA10050539.
Genomic context (GRCh38, chr21:44,079,633, plus strand): 5'-GGCTCCACAAAAGGCAGAAATCTATCTTCAAGGAGCACTGAAAAACTACCTGGCTGAGGG[C>T]TGGGCACTCCCCATCACACACACAAGGAAGCAGCTGGCCGAATGTCAAAAGCACCTTGGA-3'
Protein context (NP_003265.3, residues 503-523): QGALKNYLAE[Gly513=]WALPITHTRK

ClinVar aggregate classification (germline): Benign/Likely benign. Review status: criteria provided, multiple submitters, no conflicts (2 of 4 stars). 3 submissions from 3 submitters: Benign (2); Likely benign (1). Last evaluated 2026-04-01.

Allele frequency attached by ClinVar (database versions not stated): ExAC 0.00079; TOPMed 0.00228; ESP Exome Variant Server 0.00300; 1000 Genomes Project 0.00339; 1000 Genomes Project 30x 0.00375.
gnomAD v4.1: 704 of 1,610,468 alleles (0.044%); highest among the groups gnomAD compares: African/African-American, 0.85%; 5 homozygotes.

Submissions (3):

CeGaT Center for Human Genetics Tuebingen
Classification: Likely benign. Last evaluated: 2026-04-01. Review status: criteria provided, single submitter. Criteria: CeGaT Center For Human Genetics Tuebingen Variant Classification Criteria Version 2. Collection method: clinical testing. Allele origin: germline. Affected: yes. Observed: 2 variant alleles.
Comment: TRAPPC10: BP4, BP7

Labcorp Genetics (formerly Invitae), Labcorp
Classification: Benign. Last evaluated: 2018-04-20. Review status: criteria provided, single submitter. Criteria: Invitae Variant Classification Sherloc (09022015). Collection method: clinical testing. Allele origin: germline.

Breakthrough Genomics
Classification: Benign. Review status: criteria provided, single submitter. Criteria: ACMG Guidelines, 2015. Collection method: not provided. Allele origin: germline. Inheritance: Autosomal recessive inheritance. Affected: yes.